The following is an entry in ClinVar:

NM_000138.5(FBN1):c.1149G>A (p.Glu383=)

Gene: FBN1 (fibrillin 1; minus strand). Cytogenetic location: 15q21.1.
Variant type: single nucleotide variant.
Coding change: c.1149G>A on transcript NM_000138.5 (MANE Select); coding-DNA position 1149, G replaced by A.
Protein change: p.Glu383=; no amino-acid change (glutamic acid 383 retained).
Molecular consequence: synonymous variant.
Genome position (GRCh38, 1-based): chr15:48,516,361, C>T on the plus strand (G>A on the coding strand, the complement: FBN1 is on the minus strand). VCF-style: chr15-48516361-C-T. GRCh37 (hg19) VCF-style: chr15-48808558-C-T.
Other names: c.1149G>A, p.Glu383= (NM_001406716.1).
Identifiers: ClinVar variation 3074939 (VCV003074939.1), dbSNP rs2505620028, ClinGen allele CA490028453.

ClinVar aggregate classification (germline): Uncertain significance (1 of 4 stars; one submission).

Conditions:
Marfan syndrome (MFS). Also called: MARFAN SYNDROME, TYPE I; Marfan syndrome type 1; Marfan's syndrome; Marfan syndrome, classic; FBN1-Related Marfan Syndrome. Identifiers: Orphanet 284963, Orphanet 558, MedGen C0024796, MONDO:0007947, OMIM 154700.

Submission:

All of Us Research Program, National Institutes of Health
Classification: Uncertain significance for Marfan syndrome. Last evaluated: 2023-12-13. Review status: criteria provided, single submitter. Criteria: ACMG Guidelines, 2015. Collection method: clinical testing. Allele origin: germline. Inheritance: Autosomal dominant inheritance. Observed: 1 variant allele, 1 heterozygote.
Comment: This variant is located in the FBN1 protein. To our knowledge, functional studies have not been reported for this variant. This variant has not been reported in individuals affected with FBN1-related disorders in the literature. This variant has not been identified in the general population by the Genome Aggregation Database (gnomAD). The available evidence is insufficient to determine the role of this variant in disease conclusively. Therefore, this variant is classified as a Variant of Uncertain Significance.

This study involves interpretation of variants in research participants for the purpose of population health screening. Participant phenotype was not available at the time of variant classification. Additional details can be found in publication PMID: 35346344, PMCID: PMC8962531